The following is an entry in ClinVar:

ClinVar aggregate classification (germline): Uncertain significance (1 of 4 stars; one submission).

Conditions:
Hereditary cancer-predisposing syndrome. Also called: Neoplastic Syndromes, Hereditary; Hereditary Cancer Syndrome; Tumor predisposition; Hereditary neoplastic syndrome. Identifiers: Orphanet 140162, MedGen C0027672, MeSH D009386, MONDO:0015356.

Submission:

Labcorp Genetics (formerly Invitae), Labcorp
Classification: Uncertain significance for Hereditary cancer-predisposing syndrome. Last evaluated: 2018-03-03. Review status: criteria provided, single submitter. Criteria: Invitae Variant Classification Sherloc (09022015). Collection method: clinical testing. Allele origin: germline.
Comment: In summary, the available evidence is currently insufficient to determine the role of this variant in disease. Therefore, it has been classified as a Variant of Uncertain Significance. Algorithms developed to predict the effect of missense changes on protein structure and function (SIFT, PolyPhen-2, Align-GVGD) all suggest that this variant is likely to be tolerated, but these predictions have not been confirmed by published functional studies and their clinical significance is uncertain. This variant has not been reported in the literature in individuals with RAD50-related disease. This variant is not present in population databases (ExAC no frequency). This sequence change replaces leucine with isoleucine at codon 475 of the RAD50 protein (p.Leu475Ile). The leucine residue is moderately conserved and there is a small physicochemical difference between leucine and isoleucine.

NM_005732.4(RAD50):c.1423C>A (p.Leu475Ile)

Gene: RAD50 (RAD50 double strand break repair protein; plus strand). Cytogenetic location: 5q31.1.
Variant type: single nucleotide variant.
Coding change: c.1423C>A on transcript NM_005732.4 (MANE Select); coding-DNA position 1423, C replaced by A.
Protein change: p.Leu475Ile; replaces leucine 475 with isoleucine.
Molecular consequence: missense variant.
Genome position (GRCh38, 1-based): chr5:132,589,808, C>A. VCF-style: chr5-132589808-C-A. GRCh37 (hg19) VCF-style: chr5-131925500-C-A.
Other names: short protein forms L475I.
Identifiers: ClinVar variation 574876 (VCV000574876.9), dbSNP rs867459964, ClinGen allele CA127244925.